The following is an entry in ClinVar:

NM_004813.4(PEX16):c.170T>C (p.Leu57Pro)

Gene: PEX16 (peroxisomal biogenesis factor 16; minus strand). Cytogenetic location: 11p11.2.
Variant type: single nucleotide variant.
Coding change: c.170T>C on transcript NM_004813.4 (MANE Select); coding-DNA position 170, T replaced by C.
Protein change: p.Leu57Pro; replaces leucine 57 with proline.
Molecular consequence: missense variant.
Genome position (GRCh38, 1-based): chr11:45,916,282, A>G on the plus strand (T>C on the coding strand, the complement: PEX16 is on the minus strand). VCF-style: chr11-45916282-A-G. GRCh37 (hg19) VCF-style: chr11-45937833-A-G.
Other names: c.170T>C, p.Leu57Pro (NM_057174.3); short protein forms L57P.
Identifiers: ClinVar variation 1356322 (VCV001356322.8), dbSNP rs2086834282, ClinGen allele CA380229198.

ClinVar aggregate classification (germline): Uncertain significance (1 of 4 stars; one submission).

Conditions:
Peroxisome biogenesis disorder. Identifiers: Orphanet 79189, MedGen C1832200, MONDO:0019234. Disease mechanism: loss of function.

Allele frequency attached by ClinVar (database versions not stated): TOPMed below 0.00001.

Submission:

Labcorp Genetics (formerly Invitae), Labcorp
Classification: Uncertain significance for Peroxisome biogenesis disorder. Last evaluated: 2023-12-07. Review status: criteria provided, single submitter. Criteria: Invitae Variant Classification Sherloc (09022015). Collection method: clinical testing. Allele origin: germline.
Comment: This sequence change replaces leucine, which is neutral and non-polar, with proline, which is neutral and non-polar, at codon 57 of the PEX16 protein (p.Leu57Pro). This variant is not present in population databases (gnomAD no frequency). This variant has not been reported in the literature in individuals affected with PEX16-related conditions. ClinVar contains an entry for this variant (Variation ID: 1356322). Advanced modeling of protein sequence and biophysical properties (such as structural, functional, and spatial information, amino acid conservation, physicochemical variation, residue mobility, and thermodynamic stability) performed at Invitae indicates that this missense variant is expected to disrupt PEX16 protein function with a positive predictive value of 80%. In summary, the available evidence is currently insufficient to determine the role of this variant in disease. Therefore, it has been classified as a Variant of Uncertain Significance.